The following is an entry in ClinVar:

NM_001009999.3(KDM1A):c.235G>A (p.Gly79Arg)

Gene: KDM1A (lysine demethylase 1A; plus strand). Cytogenetic location: 1p36.12.
Variant type: single nucleotide variant.
Coding change: c.235G>A on transcript NM_001009999.3 (MANE Select); coding-DNA position 235, G replaced by A.
Protein change: p.Gly79Arg; replaces glycine 79 with arginine.
Molecular consequence: missense variant.
Genome position (GRCh38, 1-based): chr1:23,019,831, G>A. VCF-style: chr1-23019831-G-A. GRCh37 (hg19) VCF-style: chr1-23346324-G-A.
Other names: c.235G>A, p.Gly79Arg (NM_001363654.2, NM_001410762.1, NM_001410763.1 and 1 more transcripts); short protein forms G79R.
Identifiers: ClinVar variation 4091115 (VCV004091115.1).
Genomic context (GRCh38, chr1:23,019,831, plus strand): 5'-ACACCCCGCAAGAAAGAGCCTCCGCGGGCCTCGCCCCCCGGGGGCCTGGCGGAACCGCCG[G>A]GGTCCGCAGGGCCTCAGGCCGGCCCTACTGTCGTGCCTGGGTCTGCGACCCCCATGGAAA-3'
Protein context (NP_001009999.1, residues 69-89): SPPGGLAEPP[Gly79Arg]SAGPQAGPTV

ClinVar aggregate classification (germline): Uncertain significance (1 of 4 stars; one submission).

Conditions:
Inborn genetic diseases. Identifiers: MedGen C0950123, MeSH D030342.

Submission:

Ambry Genetics
Classification: Uncertain significance for Inborn genetic diseases. Last evaluated: 2025-09-12. Review status: criteria provided, single submitter. Criteria: Ambry Variant Classification Scheme 2023. Collection method: clinical testing. Allele origin: germline.
Comment: The p.G79R variant (also known as c.235G>A), located in coding exon 1 of the KDM1A gene, results from a G to A substitution at nucleotide position 235. The glycine at codon 79 is replaced by arginine, an amino acid with dissimilar properties. This amino acid position is conserved. In addition, this alteration is predicted to be tolerated by in silico analysis. Based on the available evidence, the clinical significance of this variant remains unclear.